The following is an entry in ClinVar:

NM_017636.4(TRPM4):c.689C>T (p.Ser230Leu)

Gene: TRPM4 (transient receptor potential cation channel subfamily M member 4; plus strand). Cytogenetic location: 19q13.33.
Variant type: single nucleotide variant.
Coding change: c.689C>T on transcript NM_017636.4 (MANE Select); coding-DNA position 689, C replaced by T.
Protein change: p.Ser230Leu; replaces serine 230 with leucine.
Molecular consequence: missense variant. On other transcripts: 5 prime UTR variant (2).
Genome position (GRCh38, 1-based): chr19:49,168,629, C>T. VCF-style: chr19-49168629-C-T. GRCh37 (hg19) VCF-style: chr19-49671886-C-T.
Other names: c.689C>T, p.Ser230Leu (NM_001195227.2); c.344C>T, p.Ser115Leu (NM_001321281.2); c.-865C>T (NM_001321282.2); c.167C>T, p.Ser56Leu (NM_001321283.2); c.-161C>T (NM_001321285.2); short protein forms S230L, S115L, S56L.
Identifiers: ClinVar variation 618451 (VCV000618451.18), dbSNP rs558212476, ClinGen allele CA9568910.

ClinVar aggregate classification (germline): Uncertain significance. Review status: criteria provided, multiple submitters, no conflicts (2 of 4 stars). 4 submissions from 4 submitters: Uncertain significance (4). Last evaluated 2026-01-15.

Conditions:
Progressive familial heart block type IB (PFHB1B). Identifiers: Orphanet 871, MedGen C1970298, MONDO:0011474, OMIM 604559.
Cardiovascular phenotype. Identifiers: MedGen CN230736.

Allele frequency attached by ClinVar (database versions not stated): gnomAD 0.00001 and 0.00002; gnomAD exomes 0.00002 and 0.00004; TOPMed 0.00002; ExAC 0.00004; 1000 Genomes Project 30x 0.00016; 1000 Genomes Project 0.00020.

Submissions (4):

Labcorp Genetics (formerly Invitae), Labcorp
Classification: Uncertain significance for Progressive familial heart block type IB. Last evaluated: 2026-01-15. Review status: criteria provided, single submitter. Criteria: Invitae Variant Classification Sherloc (09022015). Collection method: clinical testing. Allele origin: germline.
Comment: This sequence change replaces serine, which is neutral and polar, with leucine, which is neutral and non-polar, at codon 230 of the TRPM4 protein (p.Ser230Leu). This variant is present in population databases (rs558212476, gnomAD 0.01%). This variant has not been reported in the literature in individuals affected with TRPM4-related conditions. ClinVar contains an entry for this variant (Variation ID: 618451). An algorithm developed to predict the effect of missense changes on protein structure and function (PolyPhen-2) suggests that this variant is likely to be disruptive. In summary, the available evidence is currently insufficient to determine the role of this variant in disease. Therefore, it has been classified as a Variant of Uncertain Significance.

Ambry Genetics
Classification: Uncertain significance for Cardiovascular phenotype. Last evaluated: 2024-08-14. Review status: criteria provided, single submitter. Criteria: Ambry Variant Classification Scheme 2023. Collection method: clinical testing. Allele origin: germline.
Comment: The p.S230L variant (also known as c.689C>T), located in coding exon 6 of the TRPM4 gene, results from a C to T substitution at nucleotide position 689. The serine at codon 230 is replaced by leucine, an amino acid with dissimilar properties. This alteration has been reported in an atrioventricular nodal reentry tachycardia cohort; however, clinical details were limited (Luo R et al. Clin Transl Med, 2020 Jan;10:238-257). This amino acid position is well conserved in available vertebrate species. In addition, the in silico prediction for this alteration is inconclusive. Since supporting evidence is limited at this time, the clinical significance of this alteration remains unclear.

GeneDx
Classification: Uncertain significance. Last evaluated: 2024-05-31. Review status: criteria provided, single submitter. Criteria: GeneDx Variant Classification Process June 2021. Collection method: clinical testing. Allele origin: germline. Affected: yes.
Comment: Reported in association with atrioventricular nodal re-entry tachycardia in published literature (PMID: 32508047); In silico analysis supports that this missense variant has a deleterious effect on protein structure/function; This variant is associated with the following publications: (PMID: 32508047)

ARUP Laboratories, Molecular Genetics and Genomics, ARUP Laboratories
Classification: Uncertain significance. Last evaluated: 2018-04-25. Review status: criteria provided, single submitter. Criteria: ARUP Molecular Germline Variant Investigation Process. Collection method: clinical testing. Allele origin: germline.
Comment: The TRPM4 c.689C>T; p.Ser230Leu variant (rs558212476), to our knowledge, is not reported in the medical literature, gene specific variation databases, nor has it been previously identified by our laboratory. This variant is listed in the genome Aggregation Database (gnomAD) with an overall population frequency of 0.004% (identified on 10 out of 245,642 chromosomes). The serine at position 230 is moderately conserved, considering 12 species, and computational analyses of the effects of the p.Ser230Leu variant on protein structure and function predict a deleterious effect (SIFT: damaging, PolyPhen-2: possibly damaging). Based on the available information, the clinical significance of the p.Ser230Leu variant cannot be determined with certainty.

Literature cited by the submitters: PubMed 32508047 (cited by Ambry Genetics).